The following is an entry in ClinVar:

NM_017617.5(NOTCH1):c.4887C>T (p.His1629=)

Gene: NOTCH1 (notch receptor 1; minus strand). Cytogenetic location: 9q34.3.
Variant type: single nucleotide variant.
Coding change: c.4887C>T on transcript NM_017617.5 (MANE Select); coding-DNA position 4887, C replaced by T.
Protein change: p.His1629=; no amino-acid change (histidine 1629 retained).
Molecular consequence: synonymous variant.
Genome position (GRCh38, 1-based): chr9:136,504,804, G>A on the plus strand (C>T on the coding strand, the complement: NOTCH1 is on the minus strand). VCF-style: chr9-136504804-G-A. GRCh37 (hg19) VCF-style: chr9-139399256-G-A.
Other names: p.His1629=; c.4887C>T (NM_017617.4); c.4887C>T, p.His1629= (LRG_1122t1).
Identifiers: ClinVar variation 263902 (VCV000263902.54), dbSNP rs61751539, ClinGen allele CA5340500.

ClinVar aggregate classification (germline): Benign/Likely benign. Review status: criteria provided, multiple submitters, no conflicts (2 of 4 stars). 16 submissions from 15 submitters: Benign (6); Likely benign (6). 4 of the submissions do not count toward it. Last evaluated 2026-09-01.

Conditions:
NOTCH1-related disorder. Also called: NOTCH1-related disorders; NOTCH1-related condition.
Connective tissue disorder. Also called: Connective tissue disease. Identifiers: MedGen C0009782, MONDO:0003900.
Adams-Oliver syndrome 5 (AOS5). Identifiers: Orphanet 974, MedGen C4014970, MONDO:0014459, OMIM 616028.
Familial thoracic aortic aneurysm and aortic dissection (TAAD). Also called: Thoracic aortic aneurysms and dissections. Identifiers: Orphanet 91387, MedGen C4707243, MONDO:0019625.
Aortic valve disease 1 (AOVD1). Identifiers: MedGen C3887892, MONDO:0024523, OMIM 109730.

Allele frequency attached by ClinVar (database versions not stated): 1000 Genomes Project 0.00020; 1000 Genomes Project 30x 0.00047; ESP Exome Variant Server 0.00129; gnomAD exomes 0.00163; gnomAD 0.00177 and 0.00182; TOPMed 0.00186; ExAC 0.00270.

Submissions (16):

CeGaT Center for Human Genetics Tuebingen
Classification: Likely benign. Last evaluated: 2026-09-01. Review status: criteria provided, single submitter. Criteria: CeGaT Center For Human Genetics Tuebingen Variant Classification Criteria Version 2. Collection method: clinical testing. Allele origin: germline. Affected: yes. Observed: 11 variant alleles.
Comment: NOTCH1: BP4, BP7

Labcorp Genetics (formerly Invitae), Labcorp
Classification: Benign for Adams-Oliver syndrome 5. Last evaluated: 2026-01-27. Review status: criteria provided, single submitter. Criteria: Invitae Variant Classification Sherloc (09022015). Collection method: clinical testing. Allele origin: germline.

ARUP Laboratories, Molecular Genetics and Genomics, ARUP Laboratories
Classification: Benign. Last evaluated: 2025-04-16. Review status: criteria provided, single submitter. Criteria: ARUP Molecular Germline Variant Investigation Process 2024. Collection method: clinical testing. Allele origin: germline.

Mayo Clinic Laboratories, Mayo Clinic
Classification: Likely benign. Last evaluated: 2025-03-17. Review status: criteria provided, single submitter. Criteria: ACMG Guidelines, 2015. Collection method: clinical testing. Allele origin: germline. Observed: 4 variant alleles.
Comment: BS1, BP4, BP7

Blueprint Genetics
Classification: Likely benign. Last evaluated: 2024-11-11. Review status: criteria provided, single submitter. Criteria: ACMG Guidelines, 2015. Collection method: clinical testing. Allele origin: germline.

Women's Health and Genetics/Laboratory Corporation of America, LabCorp
Classification: Benign. Last evaluated: 2023-07-29. Review status: criteria provided, single submitter. Criteria: LabCorp Variant Classification Summary - May 2015. Collection method: clinical testing. Allele origin: germline.

Genome-Nilou Lab
Classification: Benign for Adams-Oliver syndrome 5. Last evaluated: 2022-03-15. Review status: criteria provided, single submitter. Criteria: ACMG Guidelines, 2015. Collection method: clinical testing. Allele origin: germline. Affected: no.

Genome-Nilou Lab
Classification: Benign for Aortic valve disease 1. Last evaluated: 2022-03-15. Review status: criteria provided, single submitter. Criteria: ACMG Guidelines, 2015. Collection method: clinical testing. Allele origin: germline. Affected: no.

GeneDx
Classification: Likely benign. Last evaluated: 2021-05-11. Review status: criteria provided, single submitter. Criteria: GeneDx Variant Classification Process June 2021. Collection method: clinical testing. Allele origin: germline. Affected: yes.
Comment: This variant is associated with the following publications: (PMID: 21457232)

Center for Human Genetics, Inc
Classification: Likely benign for Connective tissue disorder. Last evaluated: 2016-11-01. Review status: criteria provided, single submitter. Criteria: ACMG Guidelines, 2015. Collection method: clinical testing. Allele origin: germline. Affected: yes.

CHEO Genetics Diagnostic Laboratory, Children's Hospital of Eastern Ontario
Classification: Benign for Familial thoracic aortic aneurysm and aortic dissection. Last evaluated: 2016-03-11. Review status: criteria provided, single submitter. Criteria: ACMG Guidelines, 2015. Collection method: clinical testing. Allele origin: germline. Study: Canadian Open Genetics Repository.

Ambry Genetics
Classification: Likely benign for Familial thoracic aortic aneurysm and aortic dissection. Last evaluated: 2015-02-06. Review status: criteria provided, single submitter. Criteria: Ambry Variant Classification Scheme 2023. Collection method: clinical testing. Allele origin: germline.

PreventionGenetics, part of Exact Sciences
Classification: Benign for NOTCH1-related condition. Last evaluated: 2020-02-26. Review status: no assertion criteria provided. Collection method: clinical testing. Allele origin: germline. Not counted in ClinVar's aggregate classification.
Comment: This variant is classified as benign based on ACMG/AMP sequence variant interpretation guidelines (Richards et al. 2015 PMID: 25741868, with internal and published modifications).

Clinical Genetics DNA and cytogenetics Diagnostics Lab, Erasmus MC, Erasmus Medical Center
Classification: Likely benign. Review status: no assertion criteria provided. Collection method: clinical testing. Allele origin: germline. Affected: yes. Study: VKGL Data-share Consensus. Not counted in ClinVar's aggregate classification.

Genome Diagnostics Laboratory, Amsterdam University Medical Center
Classification: Likely benign. Review status: no assertion criteria provided. Collection method: clinical testing. Allele origin: germline. Affected: yes. Study: VKGL Data-share Consensus. Not counted in ClinVar's aggregate classification.

Joint Genome Diagnostic Labs from Nijmegen and Maastricht, Radboudumc and MUMC+
Classification: Likely benign. Review status: no assertion criteria provided. Collection method: clinical testing. Allele origin: germline. Affected: yes. Study: VKGL Data-share Consensus. Not counted in ClinVar's aggregate classification.

Literature cited by the submitters: PubMed 24943832 (cited by Women's Health and Genetics/Laboratory Corporation of America, LabCorp); PubMed 16614245 (cited by Women's Health and Genetics/Laboratory Corporation of America, LabCorp); PubMed 21670202 (cited by Women's Health and Genetics/Laboratory Corporation of America, LabCorp); PubMed 22210878 (cited by Women's Health and Genetics/Laboratory Corporation of America, LabCorp); PubMed 19635999 (cited by Women's Health and Genetics/Laboratory Corporation of America, LabCorp); PubMed 26837699 (cited by Women's Health and Genetics/Laboratory Corporation of America, LabCorp); PubMed 23086750 (cited by Women's Health and Genetics/Laboratory Corporation of America, LabCorp); PubMed 19245433 (cited by Women's Health and Genetics/Laboratory Corporation of America, LabCorp); PubMed 22077063 (cited by Women's Health and Genetics/Laboratory Corporation of America, LabCorp); PubMed 15472075 (cited by Women's Health and Genetics/Laboratory Corporation of America, LabCorp); PubMed 23734977 (cited by Women's Health and Genetics/Laboratory Corporation of America, LabCorp); PubMed 22858860 (cited by Women's Health and Genetics/Laboratory Corporation of America, LabCorp).